The following is an entry in ClinVar:

ClinVar aggregate classification (germline): Conflicting classifications of pathogenicity. Review status: criteria provided, conflicting classifications (1 of 4 stars). 8 submissions from 4 submitters: Uncertain significance (6); Benign (1); Likely benign (1). Last evaluated 2026-02-20.

Conditions:
Early-onset myopathy with fatal cardiomyopathy (CMYO5). Also called: Salih Myopathy; CONGENITAL MYOPATHY 5 WITH CARDIOMYOPATHY. Identifiers: Orphanet 289377, MedGen C2673677, MONDO:0012714, OMIM 611705. Disease mechanism: loss of function.
Dilated cardiomyopathy 1G (CMD1G). Identifiers: Orphanet 154, MedGen C1858763, MONDO:0011400, OMIM 604145.
Myopathy, myofibrillar, 9, with early respiratory failure (MFM9). Also called: MYOPATHY, PROXIMAL, WITH EARLY RESPIRATORY MUSCLE INVOLVEMENT; Hereditary myopathy with early respiratory failure; Myopathy, distal, with early respiratory failure, autosomal dominant; EDSTROM MYOPATHY. Identifiers: Orphanet 178464, Orphanet 34521, MedGen C1863599, MONDO:0011362, OMIM 603689.
Autosomal recessive limb-girdle muscular dystrophy type 2J (LGMDR10). Also called: Limb-girdle muscular dystrophy, type 2J; MUSCULAR DYSTROPHY, LIMB-GIRDLE, AUTOSOMAL RECESSIVE 10. Identifiers: Orphanet 140922, MedGen C1837342, MONDO:0012127, OMIM 608807.
Tibial muscular dystrophy (TMD). Also called: UDD MYOPATHY; Tibial muscular dystrophy, tardive; Udd Distal Myopathy – Tibial Muscular Dystrophy. Identifiers: Orphanet 609, MedGen C1838244, MONDO:0010870, OMIM 600334.
TTN-related disorder. Also called: TTN-related disorders; TTN-related condition; TTN-related disease.

Allele frequency attached by ClinVar (database versions not stated): TOPMed 0.00002; ExAC 0.00003; gnomAD exomes 0.00003; gnomAD 0.00004.
gnomAD v4.1: 29 of 1,605,518 alleles (0.0018%); highest among the groups gnomAD compares: Admixed American, 0.0034%; no homozygotes.

Submissions (8):

PreventionGenetics, part of Exact Sciences
Classification: Uncertain significance for TTN-related condition. Last evaluated: 2026-02-20. Review status: criteria provided, single submitter. Criteria: ACMG Guidelines, 2015. Collection method: clinical testing. Allele origin: germline.
Comment: The TTN c.52434T>G variant is predicted to result in the amino acid substitution p.Ile17478Met. This variant has been reported in an individual with idiopathic ventricular tachycardia (referred to as p.Ile14910Met in transcript NM_133378, Table S2, Guelly et al. 2021. PubMed ID: 33552729). This variant is reported in 0.0057% of alleles in individuals of European (Non-Finnish) descent in gnomAD and is interpreted as uncertain in ClinVar (Variation ID: 332841). At this time, the clinical significance of this variant is uncertain due to the absence of conclusive functional and genetic evidence.

Mayo Clinic Laboratories, Mayo Clinic
Classification: Uncertain significance. Last evaluated: 2025-09-29. Review status: criteria provided, single submitter. Criteria: ACMG Guidelines, 2015. Collection method: clinical testing. Allele origin: germline. Observed: 1 variant allele.
Comment: BP4

Women's Health and Genetics/Laboratory Corporation of America, LabCorp
Classification: Uncertain significance. Last evaluated: 2022-09-26. Review status: criteria provided, single submitter. Criteria: LabCorp Variant Classification Summary - May 2015. Collection method: clinical testing. Allele origin: germline.
Comment: Variant summary: TTN c.44730T>G (p.Ile14910Met) results in a conservative amino acid change located in the A Band domain of the encoded protein sequence. Four of four in-silico tools predict a benign effect of the variant on protein function. The variant allele was found at a frequency of 3e-05 in 236872 control chromosomes. The available data on variant occurrences in the general population are insufficient to allow any conclusion about variant significance. c.44730T>G has been reported in the literature in an individual affected with idiopathic ventricular tachycardia without strong evidence for causality (Guelly_2021). This report does not provide unequivocal conclusions about association of the variant with Dilated Cardiomyopathy. To our knowledge, no experimental evidence demonstrating an impact on protein function has been reported. One clinical diagnostic laboratory has submitted clinical-significance assessments for this variant to ClinVar after 2014 without evidence for independent evaluation. One laboratory classified the variant as uncertain significance. Based on the evidence outlined above, the variant was classified as uncertain significance.

Illumina Laboratory Services, Illumina
Classification: Benign for Tibial muscular dystrophy. Last evaluated: 2018-01-12. Review status: criteria provided, single submitter. Criteria: ICSL Variant Classification Criteria 13 December 2019. Collection method: clinical testing. Allele origin: germline.
Comment: This variant was observed in the ICSL laboratory as part of a predisposition screen in an ostensibly healthy population. It had not been previously curated by ICSL or reported in the Human Gene Mutation Database (HGMD: prior to June 1st, 2018), and was therefore a candidate for classification through an automated scoring system. Utilizing variant allele frequency, disease prevalence and penetrance estimates, and inheritance mode, an automated score was calculated to assess if this variant is too frequent to cause the disease. Based on the score and internal cut-off values, a variant classified as benign is not then subjected to further curation. The score for this variant resulted in a classification of benign for this disease.

Illumina Laboratory Services, Illumina
Classification: Likely benign for Myopathy, myofibrillar, 9, with early respiratory failure. Last evaluated: 2018-01-12. Review status: criteria provided, single submitter. Criteria: ICSL Variant Classification Criteria 13 December 2019. Collection method: clinical testing. Allele origin: germline.
Comment: This variant was observed in the ICSL laboratory as part of a predisposition screen in an ostensibly healthy population. It had not been previously curated by ICSL or reported in the Human Gene Mutation Database (HGMD: prior to June 1st, 2018), and was therefore a candidate for classification through an automated scoring system. Utilizing variant allele frequency, disease prevalence and penetrance estimates, and inheritance mode, an automated score was calculated to assess if this variant is too frequent to cause the disease. Based on the score and internal cut-off values, a variant classified as likely benign is not then subjected to further curation. The score for this variant resulted in a classification of likely benign for this disease.

Illumina Laboratory Services, Illumina
Classification: Uncertain significance for Early-onset myopathy with fatal cardiomyopathy. Last evaluated: 2018-01-12. Review status: criteria provided, single submitter. Criteria: ICSL Variant Classification Criteria 13 December 2019. Collection method: clinical testing. Allele origin: germline.

Illumina Laboratory Services, Illumina
Classification: Uncertain significance for Dilated cardiomyopathy 1G. Last evaluated: 2018-01-12. Review status: criteria provided, single submitter. Criteria: ICSL Variant Classification Criteria 13 December 2019. Collection method: clinical testing. Allele origin: germline.

Illumina Laboratory Services, Illumina
Classification: Uncertain significance for Autosomal recessive limb-girdle muscular dystrophy type 2J. Last evaluated: 2018-01-12. Review status: criteria provided, single submitter. Criteria: ICSL Variant Classification Criteria 13 December 2019. Collection method: clinical testing. Allele origin: germline.

Literature cited by the submitters: PubMed 33552729 (cited by Mayo Clinic Laboratories, Mayo Clinic and Women's Health and Genetics/Laboratory Corporation of America, LabCorp).

NM_001267550.2(TTN):c.52434T>G (p.Ile17478Met)

Genes: TTN (titin; minus strand), TTN-AS1 (TTN antisense RNA 1; plus strand). Cytogenetic location: 2q31.2.
Variant type: single nucleotide variant.
Coding change: c.52434T>G on transcript NM_001267550.2 (MANE Select); coding-DNA position 52434, T replaced by G.
Protein change: p.Ile17478Met; replaces isoleucine 17478 with methionine.
Molecular consequence: missense variant.
Genome position (GRCh38, 1-based): chr2:178,608,449, A>C on the plus strand (T>G on the coding strand, the complement: TTN is on the minus strand). VCF-style: chr2-178608449-A-C. GRCh37 (hg19) VCF-style: chr2-179473176-A-C.
Other names: p.Ile15837Met; c.47511T>G, p.Ile15837Met (NM_001256850.1); c.25239T>G, p.Ile8413Met (NM_003319.4); c.44730T>G, p.Ile14910Met (NM_133378.4); c.25614T>G, p.Ile8538Met (NM_133432.3); c.25815T>G, p.Ile8605Met (NM_133437.4); short protein forms I14910M, I17478M, I8605M, I8538M, I15837M, I8413M.
Identifiers: ClinVar variation 332841 (VCV000332841.8), dbSNP rs554368924, ClinGen allele CA1993989.
Genomic context (GRCh38, chr2:178,608,449, plus strand): 5'-TCCATTATCTTTTGGTTCATTCCATTTCACTAGCATACTGTTGCTGGTAACATCTTCCAC[A>C]ATGGGCTTATCTGGTGCATCAGGTGGTCCTGATAAAAAAATAACATTTGAAGTAAATTTC-3'
Protein context (NP_001254479.2, residues 17468-17488): FGPPDAPDKP[Ile17478Met]VEDVTSNSML